The following is an entry in ClinVar:

NM_005068.3(SIM1):c.2108G>A (p.Arg703Gln)

Gene: SIM1 (SIM bHLH transcription factor 1; minus strand). Cytogenetic location: 6q16.3.
Variant type: single nucleotide variant.
Coding change: c.2108G>A on transcript NM_005068.3 (MANE Select); coding-DNA position 2108, G replaced by A.
Protein change: p.Arg703Gln; replaces arginine 703 with glutamine.
Molecular consequence: missense variant.
Genome position (GRCh38, 1-based): chr6:100,390,554, C>T on the plus strand (G>A on the coding strand, the complement: SIM1 is on the minus strand). VCF-style: chr6-100390554-C-T. GRCh37 (hg19) VCF-style: chr6-100838430-C-T.
Other names: c.2108G>A, p.Arg703Gln (NM_001374769.1); short protein forms R703Q.
Identifiers: ClinVar variation 904716 (VCV000904716.6), dbSNP rs376058205, ClinGen allele CA3936873.

ClinVar aggregate classification (germline): Uncertain significance. Review status: criteria provided, multiple submitters, no conflicts (2 of 4 stars). 2 submissions from 2 submitters: Uncertain significance (2). Last evaluated 2026-03-30.

Conditions:
Obesity due to SIM1 deficiency. Identifiers: Orphanet 369873, MedGen C5191050, MONDO:0018244.
SIM1-related disorder. Also called: SIM1-related condition; SIM1-related disorders.

Allele frequency attached by ClinVar (database versions not stated): ExAC 0.00001; gnomAD exomes 0.00001 and 0.00002; TOPMed 0.00002; gnomAD 0.00004; ESP Exome Variant Server 0.00008.
gnomAD v4.1: 32 of 1,613,984 alleles (0.002%); highest among the groups gnomAD compares: Non-Finnish European, 0.0023%; no homozygotes.

Submissions (2):

PreventionGenetics, part of Exact Sciences
Classification: Uncertain significance for SIM1-related condition. Last evaluated: 2026-03-30. Review status: criteria provided, single submitter. Criteria: ACMG Guidelines, 2015. Collection method: clinical testing. Allele origin: germline.
Comment: The SIM1 c.2108G>A variant is predicted to result in the amino acid substitution p.Arg703Gln. This variant was reported in a single individual with severe early-onset obesity (Supplementary Table 1, Ramachandrappa et al. 2013. PubMed ID: 23778139). In this study, the p.Arg703Gln substitution was reported to have no effect on SIM1 transactivation in a reporter gene assay, though the authors note the physiological relevance of the transactivation assay is unknown. This variant is reported in 0.0040% of alleles in individuals of European (Finnish) descent in gnomAD. At this time, the clinical significance of this variant is uncertain due to the absence of conclusive functional and genetic evidence.

Illumina Laboratory Services, Illumina
Classification: Uncertain significance for Obesity due to SIM1 deficiency. Last evaluated: 2017-04-27. Review status: criteria provided, single submitter. Criteria: ICSL Variant Classification Criteria 13 December 2019. Collection method: clinical testing. Allele origin: germline.
Comment: This variant was observed as part of a predisposition screen in an ostensibly healthy population. A literature search was performed for the gene, cDNA change, and amino acid change (where applicable). Publications were found based on this search. However, the evidence from the literature, in combination with allele frequency data from public databases where available, was not sufficient to rule this variant in or out of causing disease. Therefore, this variant is classified as a variant of unknown significance.

Literature cited by the submitters: PubMed 23778139 (cited by Illumina Laboratory Services, Illumina).